The following is an entry in ClinVar:

NM_021096.4(CACNA1I):c.3280T>G (p.Cys1094Gly)

Gene: CACNA1I (calcium voltage-gated channel subunit alpha1 I; plus strand). Cytogenetic location: 22q13.1.
Variant type: single nucleotide variant.
Coding change: c.3280T>G on transcript NM_021096.4 (MANE Select); coding-DNA position 3280, T replaced by G.
Protein change: p.Cys1094Gly; replaces cysteine 1094 with glycine.
Molecular consequence: missense variant.
Genome position (GRCh38, 1-based): chr22:39,662,343, T>G. VCF-style: chr22-39662343-T-G. GRCh37 (hg19) VCF-style: chr22-40058348-T-G.
Other names: c.3175T>G, p.Cys1059Gly (NM_001003406.2); short protein forms C1059G, C1094G.
Identifiers: ClinVar variation 2430925 (VCV002430925.1), dbSNP rs1935050372, ClinGen allele CA411657260.

ClinVar aggregate classification (germline): Uncertain significance (1 of 4 stars; one submission).

Submission:

GeneDx
Classification: Uncertain significance. Last evaluated: 2022-07-27. Review status: criteria provided, single submitter. Criteria: GeneDx Variant Classification Process June 2021. Collection method: clinical testing. Allele origin: germline. Affected: yes.
Comment: Not observed at significant frequency in large population cohorts (gnomAD); In silico analysis supports that this missense variant has a deleterious effect on protein structure/function; Has not been previously published as pathogenic or benign to our knowledge